The following is an entry in ClinVar:

ClinVar aggregate classification (germline): Uncertain significance. Review status: criteria provided, multiple submitters, no conflicts (2 of 4 stars). 3 submissions from 3 submitters: Uncertain significance (3). Last evaluated 2025-09-26.

Conditions:
Inborn genetic diseases. Identifiers: MedGen C0950123, MeSH D030342.

Allele frequency attached by ClinVar (database versions not stated): gnomAD 0.00001; gnomAD exomes 0.00003; TOPMed 0.00003; ExAC 0.00005.
gnomAD v4.1: 98 of 1,567,834 alleles (0.0063%); highest among the groups gnomAD compares: Middle Eastern, 0.034%; no homozygotes.

Submissions (3):

Labcorp Genetics (formerly Invitae), Labcorp
Classification: Uncertain significance. Last evaluated: 2025-09-26. Review status: criteria provided, single submitter. Criteria: Invitae Variant Classification Sherloc (09022015). Collection method: clinical testing. Allele origin: germline.
Comment: This sequence change replaces threonine, which is neutral and polar, with methionine, which is neutral and non-polar, at codon 583 of the RIPK1 protein (p.Thr583Met). This variant is present in population databases (rs776917102, gnomAD 0.004%). This variant has not been reported in the literature in individuals affected with RIPK1-related conditions. ClinVar contains an entry for this variant (Variation ID: 1506823). An algorithm developed to predict the effect of missense changes on protein structure and function (PolyPhen-2) suggests that this variant is likely to be disruptive. In summary, the available evidence is currently insufficient to determine the role of this variant in disease. Therefore, it has been classified as a Variant of Uncertain Significance.

Ambry Genetics
Classification: Uncertain significance for Inborn genetic diseases. Last evaluated: 2024-04-20. Review status: criteria provided, single submitter. Criteria: Ambry Variant Classification Scheme 2023. Collection method: clinical testing. Allele origin: germline.

Breakthrough Genomics
Classification: Uncertain significance. Review status: criteria provided, single submitter. Criteria: ACMG Guidelines, 2015. Collection method: not provided. Allele origin: germline. Inheritance: Autosomal recessive inheritance. Affected: yes.

NM_001354930.2(RIPK1):c.1748C>T (p.Thr583Met)

Gene: RIPK1 (receptor interacting serine/threonine kinase 1; plus strand). Cytogenetic location: 6p25.2.
Variant type: single nucleotide variant.
Coding change: c.1748C>T on transcript NM_001354930.2 (MANE Select); coding-DNA position 1748, C replaced by T.
Protein change: p.Thr583Met; replaces threonine 583 with methionine.
Molecular consequence: missense variant.
Genome position (GRCh38, 1-based): chr6:3,113,071, C>T. VCF-style: chr6-3113071-C-T. GRCh37 (hg19) VCF-style: chr6-3113305-C-T.
Other names: c.1748C>T (NM_003804.3); c.1259C>T, p.Thr420Met (NM_001317061.3, NM_001354932.2, NM_001354933.2 and 1 more transcripts); c.1610C>T, p.Thr537Met (NM_001354931.2); c.1748C>T, p.Thr583Met (NM_003804.6); short protein forms T420M, T583M, T537M.
Identifiers: ClinVar variation 1506823 (VCV001506823.10), dbSNP rs776917102, ClinGen allele CA3618514.